The following is an entry in ClinVar:

ClinVar aggregate classification (germline): Uncertain significance. Review status: criteria provided, multiple submitters, no conflicts (2 of 4 stars). 2 submissions from 2 submitters: Uncertain significance (2). Last evaluated 2023-10-19.

Conditions:
Familial thoracic aortic aneurysm and aortic dissection (TAAD). Also called: Thoracic aortic aneurysms and dissections. Identifiers: Orphanet 91387, MedGen C4707243, MONDO:0019625.

Submissions (2):

Ambry Genetics
Classification: Uncertain significance for Familial thoracic aortic aneurysm and aortic dissection. Last evaluated: 2023-10-19. Review status: criteria provided, single submitter. Criteria: Ambry Variant Classification Scheme 2023. Collection method: clinical testing. Allele origin: germline.
Comment: The p.D1845E variant (also known as c.5535T>G), located in coding exon 31 of the MYLK gene, results from a T to G substitution at nucleotide position 5535. The aspartic acid at codon 1845 is replaced by glutamic acid, an amino acid with highly similar properties. This amino acid position is conserved. In addition, this alteration is predicted to be tolerated by in silico analysis. Since supporting evidence is limited at this time, the clinical significance of this alteration remains unclear.

CHEO Genetics Diagnostic Laboratory, Children's Hospital of Eastern Ontario
Classification: Uncertain significance for Familial thoracic aortic aneurysm and aortic dissection. Last evaluated: 2021-12-30. Review status: criteria provided, single submitter. Criteria: ACMG Guidelines, 2015. Collection method: clinical testing. Allele origin: germline.

NM_053025.4(MYLK):c.5535T>G (p.Asp1845Glu)

Genes: MYLK-AS1 (MYLK antisense RNA 1; plus strand), MYLK (myosin light chain kinase; minus strand). Cytogenetic location: 3q21.1.
Variant type: single nucleotide variant.
Coding change: c.5535T>G on transcript NM_053025.4 (MANE Select); coding-DNA position 5535, T replaced by G.
Protein change: p.Asp1845Glu; replaces aspartic acid 1845 with glutamic acid.
Molecular consequence: missense variant.
Genome position (GRCh38, 1-based): chr3:123,614,315, A>C on the plus strand (T>G on the coding strand, the complement: MYLK is on the minus strand). VCF-style: chr3-123614315-A-C. GRCh37 (hg19) VCF-style: chr3-123333162-A-C.
Other names: c.5007T>G, p.Asp1669Glu (NM_001321309.2); c.5328T>G, p.Asp1776Glu (NM_053026.4); c.5382T>G, p.Asp1794Glu (NM_053027.4); c.5175T>G, p.Asp1725Glu (NM_053028.4); c.252T>G, p.Asp84Glu (NM_053031.4); c.255T>G, p.Asp85Glu (NM_053032.4); short protein forms D1669E, D1725E, D1776E, D1794E, D1845E, D84E, D85E.
Identifiers: ClinVar variation 2442807 (VCV002442807.3), dbSNP rs748934365, ClinGen allele CA354229511.